The following is an entry in ClinVar:

NC_000002.12:g.(?_214745716)_(214752561_?)del

Gene: BARD1 (BRCA1 associated RING domain 1; minus strand). Cytogenetic location: 2q35.
Variant type: Deletion.
Identifiers: ClinVar variation 584376 (VCV000584376.3).

ClinVar aggregate classification (germline): Pathogenic (1 of 4 stars; one submission).

Conditions:
Familial cancer of breast. Also called: Hereditary breast cancer; hereditary breast carcinoma; BREAST CANCER, FAMILIAL. Identifiers: Orphanet 227535, MedGen C0346153, MONDO:0016419, OMIM 114480. Disease mechanism: loss of function.

Submission:

Labcorp Genetics (formerly Invitae), Labcorp
Classification: Pathogenic for Hereditary Breast Carcinoma. Last evaluated: 2018-11-08. Review status: criteria provided, single submitter. Criteria: Invitae Variant Classification Sherloc (09022015). Collection method: clinical testing. Allele origin: germline.
Comment: This variant is an out-of-frame deletion of the genomic region encompassing exons 7-8 of the BARD1 gene. This is expected to create a premature translational stop signal and result in an absent or disrupted protein product. This variant has not been reported in the literature in individuals with BARD1-related disease. Loss-of-function variants in BARD1 are known to be pathogenic (PMID: 20077502, 21344236). For these reasons, this variant has been classified as Pathogenic.